The following is an entry in ClinVar:

ClinVar aggregate classification (germline): Conflicting classifications of pathogenicity. Review status: criteria provided, conflicting classifications (1 of 4 stars). 11 submissions from 10 submitters: Likely pathogenic (1); Uncertain significance (6); Benign (2); Likely benign (1). 1 of the submissions does not count toward it. Last evaluated 2026-09-17.

Conditions:
Spinocerebellar ataxia type 25. Identifiers: Orphanet 101111, MedGen C1837518, MONDO:0012103, OMIM 608703.
PNPT1-related disorder. Also called: PNPT1-related condition; PNPT1-related disorders.
Inborn genetic diseases. Identifiers: MedGen C0950123, MeSH D030342.
Combined oxidative phosphorylation defect type 13. Also called: Combined oxidative phosphorylation deficiency 13. Identifiers: Orphanet 319514, MedGen C4706283, MONDO:0013977, OMIM 614932.
Autosomal recessive nonsyndromic hearing loss 70. Also called: Deafness, autosomal recessive 70. Identifiers: Orphanet 90636, MedGen C1824925, MONDO:0013978, OMIM 614934.

Allele frequency attached by ClinVar (database versions not stated): ExAC 0.00075; gnomAD exomes 0.00097 and 0.00201; gnomAD 0.00109; TOPMed 0.00111; ESP Exome Variant Server 0.00115.

Submissions (11):

GeneDx
Classification: Uncertain significance. Last evaluated: 2026-09-17. Review status: criteria provided, single submitter. Criteria: GeneDx Variant Classification Process June 2021. Collection method: clinical testing. Allele origin: germline.
Comment: Observed with a second variant in PNPT1 in a patient with mitochondrial encephalopathy in published literature (PMID: 33199448); In silico analysis suggests that this missense variant does not alter protein structure/function; This variant is associated with the following publications: (PMID: 26633545, 34498404, 33199448, 25356899, 40996428)

CeGaT Center for Human Genetics Tuebingen
Classification: Likely benign. Last evaluated: 2026-04-01. Review status: criteria provided, single submitter. Criteria: CeGaT Center For Human Genetics Tuebingen Variant Classification Criteria Version 2. Collection method: clinical testing. Allele origin: germline. Affected: yes. Observed: 10 variant alleles.
Comment: PNPT1: BP4, BS2

Labcorp Genetics (formerly Invitae), Labcorp
Classification: Benign. Last evaluated: 2026-01-19. Review status: criteria provided, single submitter. Criteria: Invitae Variant Classification Sherloc (09022015). Collection method: clinical testing. Allele origin: germline.

Blueprint Genetics
Classification: Uncertain significance. Last evaluated: 2024-11-25. Review status: criteria provided, single submitter. Criteria: ACMG Guidelines, 2015. Collection method: clinical testing. Allele origin: germline.

Women's Health and Genetics/Laboratory Corporation of America, LabCorp
Classification: Benign. Last evaluated: 2023-12-27. Review status: criteria provided, single submitter. Criteria: LabCorp Variant Classification Summary - May 2015. Collection method: clinical testing. Allele origin: germline.
Comment: Variant summary: PNPT1 c.1525G>A (p.Val509Ile) results in a conservative amino acid change in the encoded protein sequence. Three of five in-silico tools predict a benign effect of the variant on protein function. The variant allele was found at a frequency of 0.002 in 1608332 control chromosomes in the gnomAD database, including 12 homozygotes, strongly suggesting the variant is a benign polymorphism. c.1525G>A has been reported in the literature in an individual affected with mild and chronic encephalopathy and deafness (Pennisi_2022). However, this report does not provide unequivocal conclusions about association of the variant with PNPT1-Related Disorders. To our knowledge, no experimental evidence demonstrating an impact on protein function has been reported. The following publication have been ascertained in the context of this evaluation (PMID: 33199448). Six submitters have cited clinical-significance assessments for this variant to ClinVar after 2014. Four submitters classified the variant as uncertain significance and two classified it as benign/likely benign. Based on the evidence outlined above, the variant was classified as benign.

Mendelics
Classification: Uncertain significance. Last evaluated: 2022-05-04. Review status: criteria provided, single submitter. Criteria: Mendelics Assertion Criteria 2019. Collection method: clinical testing. Allele origin: germline.

Ambry Genetics
Classification: Uncertain significance for Inborn genetic diseases. Last evaluated: 2021-12-02. Review status: criteria provided, single submitter. Criteria: Ambry Variant Classification Scheme 2023. Collection method: clinical testing. Allele origin: germline.

Genomic Diagnostic Laboratory, Division of Genomic Diagnostics, Children's Hospital of Philadelphia
Classification: Uncertain significance. Last evaluated: 2015-10-16. Review status: criteria provided, single submitter. Criteria: DGD Variant Analysis Guidelines. Collection method: clinical testing. Allele origin: unknown.

Baylor Genetics
Classification: Likely pathogenic for Combined oxidative phosphorylation deficiency 13. Last evaluated: 2014-02-05. Review status: criteria provided, single submitter. Criteria: Yang et al. 2013. Collection method: clinical testing. Allele origin: paternal, germline. Inheritance: Autosomal recessive inheritance. Affected: yes. Observed: 13 variant alleles, 12 heterozygotes, 1 compound heterozygote. Study: Adult_WES.
Comment: Variant likely pathogenic in recessive state; heterozygotes would be carriers.

Baylor Genetics
Classification: Uncertain significance for Spinocerebellar ataxia type 25. Review status: criteria provided, single submitter. Criteria: ACMG Guidelines, 2015. Collection method: clinical testing. Allele origin: unknown.

PreventionGenetics, part of Exact Sciences
Classification: Uncertain significance for PNPT1-related condition. Last evaluated: 2024-09-03. Review status: no assertion criteria provided. Collection method: clinical testing. Allele origin: germline. Not counted in ClinVar's aggregate classification.
Comment: The PNPT1 c.1525G>A variant is predicted to result in the amino acid substitution p.Val509Ile. Specifically, the patient presented with respiratory anomalies, elevated bilirubin, encephalopathy, hypotonia, and cardiac anomalies (Table 1, Patient 1, Pennisi et al 2022. PubMed ID: 33199448). This variant is reported in 0.17% of alleles in individuals of European (Non-Finnish) descent in gnomAD, including 12 homozygotes in the gnomADv4.1.0 dataset. While we suspect this variant is likely benign, at this time, the clinical significance of this variant is uncertain due to the absence of conclusive functional and genetic evidence.

Literature cited by the submitters: PubMed 33199448 (cited by Women's Health and Genetics/Laboratory Corporation of America, LabCorp); PubMed 26633545 (cited by Baylor Genetics).

NM_033109.5(PNPT1):c.1525G>A (p.Val509Ile)

Gene: PNPT1 (polyribonucleotide nucleotidyltransferase 1; minus strand). Cytogenetic location: 2p16.1.
Variant type: single nucleotide variant.
Coding change: c.1525G>A on transcript NM_033109.5 (MANE Select); coding-DNA position 1525, G replaced by A.
Protein change: p.Val509Ile; replaces valine 509 with isoleucine.
Molecular consequence: missense variant.
Genome position (GRCh38, 1-based): chr2:55,647,424, C>T on the plus strand (G>A on the coding strand, the complement: PNPT1 is on the minus strand). VCF-style: chr2-55647424-C-T. GRCh37 (hg19) VCF-style: chr2-55874559-C-T.
Other names: p.V509I:GTA>ATA; c.1525G>A (NM_033109.3); short protein forms V509I.
Identifiers: ClinVar variation 209185 (VCV000209185.65), dbSNP rs146571352, ClinGen allele CA250389.
Genomic context (GRCh38, chr2:55,647,424, plus strand): 5'-AACGATAATCTTCTATTTCACCCTTCTCAGGATCGGTTTTGGTGACCAATCCTATTGCTA[C>T]GCCTGCAACAGCAGATGAAATTGGAACCCCTATAATTGGGAAAAAGAACAACTGTGGGTA-3'
Protein context (NP_149100.2, residues 499-519): GVPISSAVAG[Val509Ile]AIGLVTKTDP